The following is an entry in ClinVar:

ClinVar aggregate classification (germline): Uncertain significance (1 of 4 stars; one submission).

Allele frequency attached by ClinVar (database versions not stated): TOPMed 0.00001; gnomAD exomes 0.00003.
gnomAD v4.1: 38 of 1,294,798 alleles (0.0029%); highest among the groups gnomAD compares: Middle Eastern, 0.027%; no homozygotes.

Submission:

GeneDx
Classification: Uncertain significance. Last evaluated: 2019-09-25. Review status: criteria provided, single submitter. Criteria: GeneDx Variant Classification Process June 2021. Collection method: clinical testing. Allele origin: germline. Affected: yes.
Comment: Not observed in large population cohorts (Lek et al., 2016); In silico analysis, which includes protein predictors and evolutionary conservation, supports a deleterious effect; Missense variant in a gene in which most reported pathogenic variants are truncating/loss-of-function; Has not been previously published as pathogenic or benign to our knowledge

NM_001330078.2(NRXN1):c.3365-109907G>A

Gene: NRXN1 (neurexin 1; minus strand). Cytogenetic location: 2p16.3.
Variant type: single nucleotide variant.
Coding change: c.3365-109907G>A on transcript NM_001330078.2 (MANE Select); 109907 bases into the intron before coding-DNA position 3365, G replaced by A.
Molecular consequence: intron variant. On other transcripts: missense variant (4).
Genome position (GRCh38, 1-based): chr2:50,346,877, C>T on the plus strand (G>A on the coding strand, the complement: NRXN1 is on the minus strand). VCF-style: chr2-50346877-C-T. GRCh37 (hg19) VCF-style: chr2-50574015-C-T.
Other names: c.73G>A, p.Gly25Ser (NM_001330091.2, NM_001330092.2, NM_001330097.2 and 1 more transcripts); c.3254-109907G>A (NM_001330096.2, NM_001330087.2); c.3299-109907G>A (NM_001330083.2, NM_001330084.2); c.3284-109907G>A (NM_001330088.2); c.3362-109907G>A (NM_001330093.2); c.3353-109907G>A (NM_001330094.2); c.3314-109907G>A (NM_001330095.2); c.3341-109907G>A (NM_001330082.2, NM_001330077.2); and 3 more; short protein forms G25S.
Identifiers: ClinVar variation 1211103 (VCV001211103.3), dbSNP rs1300071722, ClinGen allele CA346820610.